The following is an entry in ClinVar:

NM_012330.4(KAT6B):c.5998C>T (p.Pro2000Ser)

Gene: KAT6B (lysine acetyltransferase 6B; plus strand). Cytogenetic location: 10q22.2.
Variant type: single nucleotide variant.
Coding change: c.5998C>T on transcript NM_012330.4 (MANE Select); coding-DNA position 5998, C replaced by T.
Protein change: p.Pro2000Ser; replaces proline 2000 with serine.
Molecular consequence: missense variant.
Genome position (GRCh38, 1-based): chr10:75,030,822, C>T. VCF-style: chr10-75030822-C-T. GRCh37 (hg19) VCF-style: chr10-76790580-C-T.
Other names: c.5449C>T, p.Pro1817Ser (NM_001256468.2, NM_001370138.1); c.5122C>T, p.Pro1708Ser (NM_001256469.2, NM_001370139.1, NM_001370140.1 and 2 more transcripts); c.4960C>T, p.Pro1654Ser (NM_001370132.1); c.4309C>T, p.Pro1437Ser (NM_001370133.1); c.3913C>T, p.Pro1305Ser (NM_001370134.1); c.3655C>T, p.Pro1219Ser (NM_001370135.1); c.5998C>T, p.Pro2000Ser (NM_001370136.1, NM_001370137.1); c.4933C>T, p.Pro1645Ser (NM_001370143.1, NM_001370144.1); and 1 more; short protein forms P1219S, P1708S, P2000S, P1654S, P1817S, P1305S, P1645S, P1437S.
Identifiers: ClinVar variation 3531870 (VCV003531870.2).

ClinVar aggregate classification (germline): Uncertain significance. Review status: criteria provided, multiple submitters, no conflicts (2 of 4 stars). 2 submissions from 2 submitters: Uncertain significance (2). Last evaluated 2025-04-14.

Conditions:
Inborn genetic diseases. Identifiers: MedGen C0950123, MeSH D030342.

Submissions (2):

GeneDx
Classification: Uncertain significance. Last evaluated: 2025-04-14. Review status: criteria provided, single submitter. Criteria: GeneDx Variant Classification Process June 2021. Collection method: clinical testing. Allele origin: germline. Affected: yes.
Comment: Not observed at significant frequency in large population cohorts (gnomAD); In silico analysis supports that this missense variant has a deleterious effect on protein structure/function; Has not been previously published as pathogenic or benign to our knowledge

Ambry Genetics
Classification: Uncertain significance for Inborn genetic diseases. Last evaluated: 2024-11-14. Review status: criteria provided, single submitter. Criteria: Ambry Variant Classification Scheme 2023. Collection method: clinical testing. Allele origin: germline.